The following is an entry in ClinVar:

ClinVar aggregate classification (germline): Likely benign. Review status: criteria provided, multiple submitters, no conflicts (2 of 4 stars). 2 submissions from 2 submitters: Likely benign (2). Last evaluated 2023-07-01.

Conditions:
Koolen-de Vries syndrome (KDVS). Identifiers: Orphanet 96169, MedGen C1864871, MONDO:0012496, OMIM 610443.

Allele frequency attached by ClinVar (database versions not stated): gnomAD exomes below 0.00001.
gnomAD v4.1: 2 of 1,614,068 alleles (0.00012%); highest among the groups gnomAD compares: Non-Finnish European, 0.00017%; no homozygotes.

Submissions (2):

CeGaT Center for Human Genetics Tuebingen
Classification: Likely benign. Last evaluated: 2023-07-01. Review status: criteria provided, single submitter. Criteria: CeGaT Center For Human Genetics Tuebingen Variant Classification Criteria Version 2. Collection method: clinical testing. Allele origin: germline. Affected: yes. Observed: 1 variant allele.
Comment: KANSL1: BP4, BP7

Labcorp Genetics (formerly Invitae), Labcorp
Classification: Likely benign for Koolen-de Vries syndrome. Last evaluated: 2023-03-17. Review status: criteria provided, single submitter. Criteria: Invitae Variant Classification Sherloc (09022015). Collection method: clinical testing. Allele origin: germline.

NM_015443.4(KANSL1):c.3168A>G (p.Ala1056=)

Gene: KANSL1 (KAT8 regulatory NSL complex subunit 1). Cytogenetic location: 17q21.31.
Variant type: single nucleotide variant.
Coding change: c.3168A>G on transcript NM_015443.4 (MANE Select); coding-DNA position 3168, A replaced by G.
Protein change: p.Ala1056=; no amino-acid change (alanine 1056 retained).
Molecular consequence: synonymous variant.
Genome position (GRCh38, 1-based): chr17:46,031,626, T>C on the plus strand (A>G on the coding strand, the complement: KANSL1 is on the minus strand). VCF-style: chr17-46031626-T-C. GRCh37 (hg19) VCF-style: chr17-44108992-T-C.
Other names: c.3165A>G, p.Ala1055= (NM_001405857.1, NM_001405858.1, NM_001193465.2 and 1 more transcripts); c.3066A>G, p.Ala1022= (NM_001405859.1, NM_001405860.1); c.3063A>G, p.Ala1021= (NM_001405861.1); c.3036A>G, p.Ala1012= (NM_001405872.1, NM_001405873.1, NM_001405874.1); c.2979A>G, p.Ala993= (NM_001405875.1, NM_001405876.1, NM_001405877.1 and 1 more transcripts); c.2976A>G, p.Ala992= (NM_001405879.1, NM_001405880.1); c.2931A>G, p.Ala977= (NM_001405881.1); c.1902A>G, p.Ala634= (NM_001405882.1); and 4 more.
Identifiers: ClinVar variation 2647855 (VCV002647855.27), dbSNP rs372299492, ClinGen allele CA500371694.